The following is an entry in ClinVar:

NM_025114.4(CEP290):c.3070A>G (p.Ile1024Val)

Gene: CEP290 (centrosomal protein 290; minus strand). Cytogenetic location: 12q21.32.
Variant type: single nucleotide variant.
Coding change: c.3070A>G on transcript NM_025114.4 (MANE Select); coding-DNA position 3070, A replaced by G.
Protein change: p.Ile1024Val; replaces isoleucine 1024 with valine.
Molecular consequence: missense variant.
Genome position (GRCh38, 1-based): chr12:88,096,921, T>C on the plus strand (A>G on the coding strand, the complement: CEP290 is on the minus strand). VCF-style: chr12-88096921-T-C. GRCh37 (hg19) VCF-style: chr12-88490698-T-C.
Other names: short protein forms I1024V.
Identifiers: ClinVar variation 1997333 (VCV001997333.1), dbSNP rs2500372248, ClinGen allele CA386006945.

ClinVar aggregate classification (germline): Uncertain significance (1 of 4 stars; one submission).

Conditions:
Joubert syndrome. Also called: CEREBELLOPARENCHYMAL DISORDER IV; JOUBERT-BOLTSHAUSER SYNDROME; Familial aplasia of the vermis. Identifiers: Orphanet 475, MedGen C5979921, MONDO:0018772.
Meckel-Gruber syndrome. Also called: DYSENCEPHALIA SPLANCHNOCYSTICA; GRUBER SYNDROME; Dysencephalia splachnocystica. Identifiers: Orphanet 564, MedGen C0265215, MONDO:0018921.
Nephronophthisis. Also called: Juvenile Nephronophthisis. Identifiers: Orphanet 655, MedGen C0687120, MONDO:0019005, HP:0000090.

gnomAD v4.1: 2 of 1,579,838 alleles (0.00013%); highest among the groups gnomAD compares: Non-Finnish European, 0.00017%; no homozygotes.

Submission:

Labcorp Genetics (formerly Invitae), Labcorp
Classification: Uncertain significance for Joubert syndrome; Meckel-Gruber syndrome; Nephronophthisis. Last evaluated: 2022-05-24. Review status: criteria provided, single submitter. Criteria: Invitae Variant Classification Sherloc (09022015). Collection method: clinical testing. Allele origin: germline.
Comment: This sequence change replaces isoleucine, which is neutral and non-polar, with valine, which is neutral and non-polar, at codon 1024 of the CEP290 protein (p.Ile1024Val). This variant is not present in population databases (gnomAD no frequency). This variant has not been reported in the literature in individuals affected with CEP290-related conditions. Algorithms developed to predict the effect of missense changes on protein structure and function output the following: SIFT: "Tolerated"; PolyPhen-2: "Benign"; Align-GVGD: "Class C0". The valine amino acid residue is found in multiple mammalian species, which suggests that this missense change does not adversely affect protein function. In summary, the available evidence is currently insufficient to determine the role of this variant in disease. Therefore, it has been classified as a Variant of Uncertain Significance.